The following is an entry in ClinVar:

ClinVar aggregate classification (germline): Likely benign. Review status: criteria provided, multiple submitters, no conflicts (2 of 4 stars). 8 submissions from 8 submitters: Likely benign (6). 2 of the submissions do not count toward it. Last evaluated 2026-01-27.

Conditions:
Inborn genetic diseases. Identifiers: MedGen C0950123, MeSH D030342.
Developmental and epileptic encephalopathy, 18 (DEE18). Also called: Early infantile epileptic encephalopathy 18. Identifiers: Orphanet 369894, MedGen C3809624, MONDO:0014201, OMIM 615476.

Allele frequency attached by ClinVar (database versions not stated): ESP Exome Variant Server 0.00015; gnomAD exomes 0.00015 and 0.00024; gnomAD 0.00016 and 0.00017; TOPMed 0.00018; ExAC 0.00022; 1000 Genomes Project 30x 0.00047; 1000 Genomes Project 0.00060.
gnomAD v4.1: 252 of 1,598,354 alleles (0.016%); highest among the groups gnomAD compares: South Asian, 0.042%; 3 homozygotes.

Submissions (8):

Labcorp Genetics (formerly Invitae), Labcorp
Classification: Likely benign. Last evaluated: 2026-01-27. Review status: criteria provided, single submitter. Criteria: Invitae Variant Classification Sherloc (09022015). Collection method: clinical testing. Allele origin: germline.

CeGaT Center for Human Genetics Tuebingen
Classification: Likely benign. Last evaluated: 2025-12-01. Review status: criteria provided, single submitter. Criteria: CeGaT Center For Human Genetics Tuebingen Variant Classification Criteria Version 2. Collection method: clinical testing. Allele origin: germline. Affected: yes. Observed: 11 variant alleles.
Comment: SZT2: BP4, BP7

Blueprint Genetics
Classification: Likely benign. Last evaluated: 2024-11-13. Review status: criteria provided, single submitter. Criteria: ACMG Guidelines, 2015. Collection method: clinical testing. Allele origin: germline.

Genome-Nilou Lab
Classification: Likely benign for Developmental and epileptic encephalopathy, 18. Last evaluated: 2023-04-11. Review status: criteria provided, single submitter. Criteria: ACMG Guidelines, 2015. Collection method: clinical testing. Allele origin: germline. Affected: no.

GeneDx
Classification: Likely benign. Last evaluated: 2021-03-24. Review status: criteria provided, single submitter. Criteria: GeneDx Variant Classification Process June 2021. Collection method: clinical testing. Allele origin: germline. Affected: yes.

Ambry Genetics
Classification: Likely benign for Inborn genetic diseases. Last evaluated: 2017-10-12. Review status: criteria provided, single submitter. Criteria: Ambry Variant Classification Scheme 2023. Collection method: clinical testing. Allele origin: germline.

Clinical Genetics DNA and cytogenetics Diagnostics Lab, Erasmus MC, Erasmus Medical Center
Classification: Likely benign. Review status: no assertion criteria provided. Collection method: clinical testing. Allele origin: germline. Affected: yes. Study: VKGL Data-share Consensus. Not counted in ClinVar's aggregate classification.

Genome Diagnostics Laboratory, University Medical Center Utrecht
Classification: Likely benign. Review status: no assertion criteria provided. Collection method: clinical testing. Allele origin: germline. Affected: yes. Study: VKGL Data-share Consensus. Not counted in ClinVar's aggregate classification.

NM_001365999.1(SZT2):c.7224C>T (p.Asn2408=)

Gene: SZT2 (SZT2 subunit of KICSTOR complex; plus strand). Cytogenetic location: 1p34.2.
Variant type: single nucleotide variant.
Coding change: c.7224C>T on transcript NM_001365999.1 (MANE Select); coding-DNA position 7224, C replaced by T.
Protein change: p.Asn2408=; no amino-acid change (asparagine 2408 retained).
Molecular consequence: synonymous variant.
Genome position (GRCh38, 1-based): chr1:43,440,466, C>T. VCF-style: chr1-43440466-C-T. GRCh37 (hg19) VCF-style: chr1-43906137-C-T.
Other names: c.7053C>T, p.Asn2351= (NM_015284.4).
Identifiers: ClinVar variation 589358 (VCV000589358.54), dbSNP rs373992628, ClinGen allele CA810160.